The following is an entry in ClinVar:

NM_001844.5(COL2A1):c.1880G>A (p.Gly627Asp)

Gene: COL2A1 (collagen type II alpha 1 chain; minus strand). Cytogenetic location: 12q13.11.
Variant type: single nucleotide variant.
Coding change: c.1880G>A on transcript NM_001844.5 (MANE Select); coding-DNA position 1880, G replaced by A.
Protein change: p.Gly627Asp; replaces glycine 627 with aspartic acid.
Molecular consequence: missense variant.
Genome position (GRCh38, 1-based): chr12:47,984,553, C>T on the plus strand (G>A on the coding strand, the complement: COL2A1 is on the minus strand). VCF-style: chr12-47984553-C-T. GRCh37 (hg19) VCF-style: chr12-48378336-C-T.
Other names: c.1673G>A, p.Gly558Asp (NM_033150.3); short protein forms G558D, G627D.
Identifiers: ClinVar variation 1008593 (VCV001008593.8), dbSNP rs1939280733, ClinGen allele CA384549305.
Genomic context (GRCh38, chr12:47,984,553, plus strand): 5'-CCTGCAGATGCCCGGCCAACACCAAGTCATGGGCAGCGGGGAAGGATACTTACCCTCAGA[C>T]CAGGAGCACCAGGCAGTCCCTTCTCACCAGCTTTGCCAGGCTCACCCTGAAGGAAAGAGA-3'
Protein context (NP_001835.3, residues 617-637): AGEKGLPGAP[Gly627Asp]LRGLPGKDGE

ClinVar aggregate classification (germline): Likely pathogenic (1 of 4 stars; one submission).

Submission:

Labcorp Genetics (formerly Invitae), Labcorp
Classification: Likely pathogenic. Last evaluated: 2021-07-06. Review status: criteria provided, single submitter. Criteria: Invitae Variant Classification Sherloc (09022015). Collection method: clinical testing. Allele origin: germline.
Comment: This sequence change replaces glycine with aspartic acid at codon 627 of the COL2A1 protein (p.Gly627Asp). The glycine residue is highly conserved and there is a moderate physicochemical difference between glycine and aspartic acid. This variant is not present in population databases (ExAC no frequency). This variant has been observed in individual(s) with clinical features of COL2A1-related conditions (Invitae). Algorithms developed to predict the effect of missense changes on protein structure and function (SIFT, PolyPhen-2, Align-GVGD) all suggest that this variant is likely to be disruptive. This variant disrupts the triple helix domain of COL2A1. Glycine residues within the Gly-Xaa-Yaa repeats of the triple helix domain are required for the structure and stability of fibrillar collagens (PMID: 7695699, 8218237, 19344236). In COL2A1, variants affecting these glycine residues are significantly enriched in individuals with disease (PMID: 9016532, 17078022) compared to the general population (ExAC). In summary, the currently available evidence indicates that the variant is pathogenic, but additional data are needed to prove that conclusively. Therefore, this variant has been classified as Likely Pathogenic.

Literature cited by the submitters: PubMed 7695699; PubMed 8218237; PubMed 19344236; PubMed 9016532; PubMed 17078022.